The following is an entry in ClinVar:

NM_000142.5(FGFR3):c.1252C>T (p.Pro418Ser)

Gene: FGFR3 (fibroblast growth factor receptor 3; plus strand). Cytogenetic location: 4p16.3.
Variant type: single nucleotide variant.
Coding change: c.1252C>T on transcript NM_000142.5 (MANE Select); coding-DNA position 1252, C replaced by T.
Protein change: p.Pro418Ser; replaces proline 418 with serine.
Molecular consequence: missense variant. On other transcripts: non-coding transcript variant (1), intron variant (1).
Genome position (GRCh38, 1-based): chr4:1,804,506, C>T. VCF-style: chr4-1804506-C-T. GRCh37 (hg19) VCF-style: chr4-1806233-C-T.
Other names: c.1258C>T, p.Pro420Ser (NM_001163213.2); c.1252C>T, p.Pro418Ser (NM_001354809.2, NM_001354810.2); c.931-318C>T (NM_022965.4); short protein forms P418S, P420S.
Identifiers: ClinVar variation 4857780 (VCV004857780.1).
Genomic context (GRCh38, chr4:1,804,506, plus strand): 5'-CTGCGCAGCCCCCCCAAGAAAGGCCTGGGCTCCCCCACCGTGCACAAGATCTCCCGCTTC[C>T]CGCTCAAGCGACAGGTAACAGAAAGTAGATACCAGGTTCTGAGCTGCCTGCCCGCCAGGC-3'
Protein context (NP_000133.1, residues 408-428): SPTVHKISRF[Pro418Ser]LKRQVSLESN

ClinVar aggregate classification (germline): Uncertain significance (1 of 4 stars; one submission).

Conditions:
FGFR3-related chondrodysplasia. Identifiers: Orphanet 93420, MedGen C5681604, MONDO:0019685.

Submission:

Genomenon, Inc
Classification: Uncertain significance for FGFR3-related chondrodysplasia. Last evaluated: 2026-06-23. Review status: criteria provided, single submitter. Criteria: Genomenon Sequence Variant Interpretation Standards - Updated. Collection method: curation. Allele origin: germline. Affected: yes.
Comment: FGFR3 p.Pro418Ser (c.1252C>T) is a missense variant that changes the amino acid at codon 418 from Proline to Serine. This variant has been observed in at least one proband with an FGFR3-related disorder (PMID:35527416). It is absent or not present at a significant frequency in gnomAD. In silico models predict that this variant is possibly or probably damaging. In conclusion, we classify FGFR3 p.Pro418Ser (c.1252C>T) as a variant of uncertain significance.

Literature cited by the submitters: PubMed 35527416.